The following is an entry in ClinVar:

NM_012431.3(SEMA3E):c.1004T>A (p.Ile335Asn)

Gene: SEMA3E (semaphorin 3E; minus strand). Cytogenetic location: 7q21.11.
Variant type: single nucleotide variant.
Coding change: c.1004T>A on transcript NM_012431.3 (MANE Select); coding-DNA position 1004, T replaced by A.
Protein change: p.Ile335Asn; replaces isoleucine 335 with asparagine.
Molecular consequence: missense variant.
Genome position (GRCh38, 1-based): chr7:83,402,771, A>T on the plus strand (T>A on the coding strand, the complement: SEMA3E is on the minus strand). VCF-style: chr7-83402771-A-T. GRCh37 (hg19) VCF-style: chr7-83032087-A-T.
Other names: c.824T>A, p.Ile275Asn (NM_001178129.2); short protein forms I275N, I335N.
Identifiers: ClinVar variation 3348496 (VCV003348496.1).

ClinVar aggregate classification (germline): Uncertain significance (0 of 4 stars; one submission).

Conditions:
SEMA3E-related disorder. Also called: SEMA3E-related condition.

Submission:

PreventionGenetics, part of Exact Sciences
Classification: Uncertain significance for SEMA3E-related condition. Last evaluated: 2024-02-13. Review status: no assertion criteria provided. Collection method: clinical testing. Allele origin: germline.
Comment: The SEMA3E c.1004T>A variant is predicted to result in the amino acid substitution p.Ile335Asn. To our knowledge, this variant has not been reported in the literature or in a large population database, indicating this variant is rare. At this time, the clinical significance of this variant is uncertain due to the absence of conclusive functional and genetic evidence.